The following is an entry in ClinVar:

NM_001365276.2(TNXB):c.5800A>C (p.Ile1934Leu)

Gene: TNXB (tenascin XB; minus strand). Cytogenetic location: 6p21.33.
Variant type: single nucleotide variant.
Coding change: c.5800A>C on transcript NM_001365276.2 (MANE Select); coding-DNA position 5800, A replaced by C.
Protein change: p.Ile1934Leu; replaces isoleucine 1934 with leucine.
Molecular consequence: missense variant.
Genome position (GRCh38, 1-based): chr6:32,068,924, T>G on the plus strand (A>C on the coding strand, the complement: TNXB is on the minus strand). VCF-style: chr6-32068924-T-G. GRCh37 (hg19) VCF-style: chr6-32036701-T-G.
Other names: c.5800A>C, p.Ile1934Leu (NM_019105.8); short protein forms I1934L.
Identifiers: ClinVar variation 1032817 (VCV001032817.1), dbSNP rs780783028, ClinGen allele CA363407217.
Genomic context (GRCh38, chr6:32,068,924, plus strand): 5'-CACTGAAACCATACAGGGTCACCAGGTATCTGTGGTCGGATTCCAGGCCAGAGAGGGTGA[T>G]GTCATTCCGGTCACCTCCTATGCGGACCATTTGGAGTTGCCCGTCTCTATCTGTGTACTG-3'
Protein context (NP_001352205.1, residues 1924-1944): MVRIGGDRND[Ile1934Leu]TLSGLESDHR

ClinVar aggregate classification (germline): Uncertain significance (1 of 4 stars; one submission).

Conditions:
Vesicoureteral reflux 8 (VUR8). Identifiers: Orphanet 289365, MedGen C4014831, MONDO:0014422, OMIM 615963.

Submission:

Baylor Genetics
Classification: Uncertain significance for Vesicoureteral reflux 8. Last evaluated: 2018-09-28. Review status: criteria provided, single submitter. Criteria: ACMG Guidelines, 2015. Collection method: clinical testing. Allele origin: maternal. Affected: yes.
Comment: This variant was determined to be of uncertain significance according to ACMG Guidelines, 2015 [PMID:25741868].